The following is an entry in ClinVar:

ClinVar aggregate classification (germline): Uncertain significance (1 of 4 stars; one submission).

Conditions:
Hereditary spastic paraplegia 4. Also called: Familial spastic paraplegia autosomal dominant 2; Spastic paraplegia 4, autosomal dominant; Spastic Paraplegia 4. Identifiers: Orphanet 100985, MedGen C1866855, MONDO:0008438, OMIM 182601.

Submission:

Labcorp Genetics (formerly Invitae), Labcorp
Classification: Uncertain significance for Hereditary spastic paraplegia 4. Last evaluated: 2023-10-30. Review status: criteria provided, single submitter. Criteria: Invitae Variant Classification Sherloc (09022015). Collection method: clinical testing. Allele origin: germline.
Comment: This sequence change replaces leucine, which is neutral and non-polar, with proline, which is neutral and non-polar, at codon 558 of the SPAST protein (p.Leu558Pro). This variant is not present in population databases (gnomAD no frequency). This missense change has been observed in individual(s) with clinical features of hereditary spastic paraplegia (PMID: 30476002). Advanced modeling of protein sequence and biophysical properties (such as structural, functional, and spatial information, amino acid conservation, physicochemical variation, residue mobility, and thermodynamic stability) performed at Invitae indicates that this missense variant is expected to disrupt SPAST protein function with a positive predictive value of 80%. In summary, the available evidence is currently insufficient to determine the role of this variant in disease. Therefore, it has been classified as a Variant of Uncertain Significance.

Literature cited by the submitters: PubMed 30476002.

NM_014946.4(SPAST):c.1673T>C (p.Leu558Pro)

Gene: SPAST (spastin; plus strand). Cytogenetic location: 2p22.3.
Variant type: single nucleotide variant.
Coding change: c.1673T>C on transcript NM_014946.4 (MANE Select); coding-DNA position 1673, T replaced by C.
Protein change: p.Leu558Pro; replaces leucine 558 with proline.
Molecular consequence: missense variant. On other transcripts: intron variant (1).
Genome position (GRCh38, 1-based): chr2:32,144,993, T>C. VCF-style: chr2-32144993-T-C. GRCh37 (hg19) VCF-style: chr2-32370062-T-C.
Other names: c.1670T>C, p.Leu557Pro (NM_001363823.2); c.1574T>C, p.Leu525Pro (NM_001363875.2); c.1577T>C, p.Leu526Pro (NM_199436.2); c.1520+1578T>C (NM_001377959.1); short protein forms L525P, L526P, L557P, L558P.
Identifiers: ClinVar variation 2971426 (VCV002971426.3), dbSNP rs869138742, ClinGen allele CA44756333.